The following is an entry in ClinVar:

ClinVar aggregate classification (germline): Uncertain significance (1 of 4 stars; one submission).

Submission:

Labcorp Genetics (formerly Invitae), Labcorp
Classification: Uncertain significance. Last evaluated: 2024-03-07. Review status: criteria provided, single submitter. Criteria: Invitae Variant Classification Sherloc (09022015). Collection method: clinical testing. Allele origin: germline.
Comment: This sequence change replaces valine, which is neutral and non-polar, with leucine, which is neutral and non-polar, at codon 115 of the TUBGCP6 protein (p.Val115Leu). This variant is not present in population databases (gnomAD no frequency). This variant has not been reported in the literature in individuals affected with TUBGCP6-related conditions. ClinVar contains an entry for this variant (Variation ID: 855327). An algorithm developed to predict the effect of missense changes on protein structure and function (PolyPhen-2) suggests that this variant is likely to be disruptive. In summary, the available evidence is currently insufficient to determine the role of this variant in disease. Therefore, it has been classified as a Variant of Uncertain Significance.

NM_020461.4(TUBGCP6):c.343G>C (p.Val115Leu)

Gene: TUBGCP6 (tubulin gamma complex component 6; minus strand). Cytogenetic location: 22q13.33.
Variant type: single nucleotide variant.
Coding change: c.343G>C on transcript NM_020461.4 (MANE Select); coding-DNA position 343, G replaced by C.
Protein change: p.Val115Leu; replaces valine 115 with leucine.
Molecular consequence: missense variant.
Genome position (GRCh38, 1-based): chr22:50,244,117, C>G on the plus strand (G>C on the coding strand, the complement: TUBGCP6 is on the minus strand). VCF-style: chr22-50244117-C-G. GRCh37 (hg19) VCF-style: chr22-50682546-C-G.
Other names: short protein forms V115L.
Identifiers: ClinVar variation 855327 (VCV000855327.9), dbSNP rs754285487, ClinGen allele CA412115714.
Genomic context (GRCh38, chr22:50,244,117, plus strand): 5'-TAAGGAAGTAGTCTCGTTTTCTCGGCAGAACTTGAGGGGGACCACTCCCTGCCAGCTGAA[C>G]CAGGAGGTCCAAAACAGACCCCACCTCCAAAAGCGGACAGCAAGGGGCTGCTTCCAGCTC-3'
Protein context (NP_065194.3, residues 105-125): LEVGSVLDLL[Val115Leu]QLAGSGPPQV